The following is an entry in ClinVar:

ClinVar aggregate classification (germline): Likely benign. Review status: criteria provided, multiple submitters, no conflicts (2 of 4 stars). 2 submissions from 2 submitters: Likely benign (2). Last evaluated 2024-12-02.

Conditions:
Mendelian susceptibility to mycobacterial diseases due to complete IL12B deficiency. Also called: IL12B DEFICIENCY; Immunodeficiency 29. Identifiers: Orphanet 319558, MedGen C4013948, MONDO:0013954, OMIM 614890.
IL12B-related disorder. Also called: IL12B-related condition.

Allele frequency attached by ClinVar (database versions not stated): gnomAD 0.00001; gnomAD exomes 0.00001 and 0.00002; ExAC 0.00002; TOPMed 0.00003.

Submissions (2):

PreventionGenetics, part of Exact Sciences
Classification: Likely benign for IL12B-related condition. Last evaluated: 2024-12-02. Review status: criteria provided, single submitter. Criteria: ACMG Guidelines, 2015. Collection method: clinical testing. Allele origin: germline.
Comment: This variant is classified as likely benign based on ACMG/AMP sequence variant interpretation guidelines (Richards et al. 2015 PMID: 25741868, with internal and published modifications).

Labcorp Genetics (formerly Invitae), Labcorp
Classification: Likely benign for Mendelian susceptibility to mycobacterial diseases due to complete IL12B deficiency. Last evaluated: 2024-05-15. Review status: criteria provided, single submitter. Criteria: Invitae Variant Classification Sherloc (09022015). Collection method: clinical testing. Allele origin: germline.

NM_002187.3(IL12B):c.393C>T (p.Cys131=)

Gene: IL12B (interleukin 12B; minus strand). Cytogenetic location: 5q33.3.
Variant type: single nucleotide variant.
Coding change: c.393C>T on transcript NM_002187.3 (MANE Select); coding-DNA position 393, C replaced by T.
Protein change: p.Cys131=; no amino-acid change (cysteine 131 retained).
Molecular consequence: synonymous variant.
Genome position (GRCh38, 1-based): chr5:159,322,483, G>A on the plus strand (C>T on the coding strand, the complement: IL12B is on the minus strand). VCF-style: chr5-159322483-G-A. GRCh37 (hg19) VCF-style: chr5-158749491-G-A.
Other names: c.393C>T (NM_002187.2).
Identifiers: ClinVar variation 1015255 (VCV001015255.9), dbSNP rs757355295, ClinGen allele CA3538809.